The following is an entry in ClinVar:

NM_002772.3(TMPRSS15):c.2928G>C (p.Met976Ile)

Gene: TMPRSS15 (transmembrane serine protease 15; minus strand). Cytogenetic location: 21q21.1.
Variant type: single nucleotide variant.
Coding change: c.2928G>C on transcript NM_002772.3 (MANE Select); coding-DNA position 2928, G replaced by C.
Protein change: p.Met976Ile; replaces methionine 976 with isoleucine.
Molecular consequence: missense variant.
Genome position (GRCh38, 1-based): chr21:18,270,101, C>G on the plus strand (G>C on the coding strand, the complement: TMPRSS15 is on the minus strand). VCF-style: chr21-18270101-C-G. GRCh37 (hg19) VCF-style: chr21-19642418-C-G.
Other names: short protein forms M976I.
Identifiers: ClinVar variation 2175430 (VCV002175430.1), dbSNP rs756614369, ClinGen allele CA9983856.

ClinVar aggregate classification (germline): Uncertain significance (1 of 4 stars; one submission).

Allele frequency attached by ClinVar (database versions not stated): gnomAD 0.00003; ExAC 0.00006.
gnomAD v4.1: 37 of 1,613,694 alleles (0.0023%); highest among the groups gnomAD compares: South Asian, 0.038%; no homozygotes.

Submission:

Labcorp Genetics (formerly Invitae), Labcorp
Classification: Uncertain significance. Last evaluated: 2022-03-27. Review status: criteria provided, single submitter. Criteria: Invitae Variant Classification Sherloc (09022015). Collection method: clinical testing. Allele origin: germline.
Comment: This sequence change replaces methionine, which is neutral and non-polar, with isoleucine, which is neutral and non-polar, at codon 976 of the TMPRSS15 protein (p.Met976Ile). This variant is present in population databases (rs756614369, gnomAD 0.04%). This variant has not been reported in the literature in individuals affected with TMPRSS15-related conditions. Algorithms developed to predict the effect of missense changes on protein structure and function are either unavailable or do not agree on the potential impact of this missense change (SIFT: "Not Available"; PolyPhen-2: "Benign"; Align-GVGD: "Not Available"). In summary, the available evidence is currently insufficient to determine the role of this variant in disease. Therefore, it has been classified as a Variant of Uncertain Significance.